The following is an entry in ClinVar:

NM_001083962.2(TCF4):c.1034del (p.Pro345fs)

Gene: TCF4 (transcription factor 4; minus strand). Cytogenetic location: 18q21.2.
Variant type: Deletion.
Coding change: c.1034del on transcript NM_001083962.2 (MANE Select); coding-DNA position 1034, one base deleted (C; older notation c.1034delC).
Protein change: p.Pro345fs; shifts the reading frame from proline 345.
Molecular consequence: frameshift variant.
Genome position (GRCh38, 1-based): chr18:55,259,984, G deleted on the plus strand (C on the coding strand, the reverse complement: TCF4 is on the minus strand); the first of 3 consecutive G bases (chr18:55,259,984-55,259,986); deleting any one gives the same sequence. VCF-style (leftmost placement, unchanged base first): chr18-55259983-AG-A. GRCh37 (hg19) VCF-style: chr18-52927214-AG-A.
Other names: c.1340del, p.Pro447fs (NM_001243226.3); c.962del, p.Pro321fs (NM_001243227.2, NM_001306207.1, NM_001348217.1 and 9 more transcripts); c.1052del, p.Pro351fs (NM_001243228.2); c.1028del, p.Pro343fs (NM_001243230.2); c.908del, p.Pro303fs (NM_001243231.2, NM_001348211.2); c.821del, p.Pro274fs (NM_001243232.1, NM_001306208.1); c.644del, p.Pro215fs (NM_001243233.2, NM_001330605.3, NM_001348212.2 and 1 more transcripts); c.554del, p.Pro185fs (NM_001243234.2, NM_001243235.2, NM_001243236.2 and 2 more transcripts); and 4 more; short protein forms P185fs, P344fs, P321fs, P343fs, P351fs, P274fs, P345fs, P129fs.
Identifiers: ClinVar variation 561126 (VCV000561126.2), dbSNP rs1568509890, ClinGen allele CA658825117.

ClinVar aggregate classification (germline): Pathogenic (1 of 4 stars; one submission).

Conditions:
Pitt-Hopkins syndrome (PTHS). Also called: ENCEPHALOPATHY, SEVERE EPILEPTIC, WITH AUTONOMIC DYSFUNCTION; MENTAL RETARDATION, SYNDROMAL, WITH INTERMITTENT HYPERVENTILATION. Identifiers: Orphanet 2896, MedGen C1970431, MONDO:0012589, OMIM 610954.

Submission:

Baylor Genetics
Classification: Pathogenic for Pitt-Hopkins syndrome. Last evaluated: 2017-09-01. Review status: criteria provided, single submitter. Criteria: ACMG Guidelines, 2015. Collection method: clinical testing. Allele origin: de novo. Inheritance: Autosomal dominant inheritance. Affected: yes.

Literature cited by the submitters: PubMed 25326635.